The following is an entry in ClinVar:

ClinVar aggregate classification (germline): Conflicting classifications of pathogenicity. Review status: criteria provided, conflicting classifications (1 of 4 stars). 5 submissions from 5 submitters: Uncertain significance (1); Likely benign (4). Last evaluated 2025-09-10.

Conditions:
COCH-related disorder. Also called: COCH-related condition.

Allele frequency attached by ClinVar (database versions not stated): gnomAD 0.00017 and 0.00019; 1000 Genomes Project 30x 0.00031; ESP Exome Variant Server 0.00031; 1000 Genomes Project 0.00040; TOPMed 0.00022.
gnomAD v4.1: 85 of 1,614,254 alleles (0.0053%); highest among the groups gnomAD compares: African/African-American, 0.091%; no homozygotes.

Submissions (5):

Labcorp Genetics (formerly Invitae), Labcorp
Classification: Likely benign. Last evaluated: 2025-09-10. Review status: criteria provided, single submitter. Criteria: Invitae Variant Classification Sherloc (09022015). Collection method: clinical testing. Allele origin: germline.

PreventionGenetics, part of Exact Sciences
Classification: Likely benign for COCH-related condition. Last evaluated: 2024-12-10. Review status: criteria provided, single submitter. Criteria: ACMG Guidelines, 2015. Collection method: clinical testing. Allele origin: germline.
Comment: This variant is classified as likely benign based on ACMG/AMP sequence variant interpretation guidelines (Richards et al. 2015 PMID: 25741868, with internal and published modifications).

Blueprint Genetics
Classification: Likely benign. Last evaluated: 2024-07-24. Review status: criteria provided, single submitter. Criteria: ACMG Guidelines, 2015. Collection method: clinical testing. Allele origin: germline.

GeneDx
Classification: Likely benign. Last evaluated: 2020-02-07. Review status: criteria provided, single submitter. Criteria: GeneDx Variant Classification Process June 2021. Collection method: clinical testing. Allele origin: germline. Affected: yes.

Eurofins Ntd Llc (ga)
Classification: Uncertain significance. Last evaluated: 2016-03-15. Review status: criteria provided, single submitter. Criteria: EGL Classification Definitions 2015. Collection method: clinical testing. Allele origin: germline. Observed: 1 variant allele, 1 heterozygote.

NM_004086.3(COCH):c.198A>T (p.Val66=)

Genes: COCH (cochlin; plus strand), COCH-AS1 (COCH antisense RNA 1; minus strand). Cytogenetic location: 14q12.
Variant type: single nucleotide variant.
Coding change: c.198A>T on transcript NM_004086.3 (MANE Select); coding-DNA position 198, A replaced by T.
Protein change: p.Val66=; no amino-acid change (valine 66 retained).
Molecular consequence: synonymous variant.
Genome position (GRCh38, 1-based): chr14:30,877,687, A>T. VCF-style: chr14-30877687-A-T. GRCh37 (hg19) VCF-style: chr14-31346893-A-T.
Other names: c.198A>T, p.Val66= (NM_001135058.2); c.393A>T, p.Val131= (NM_001347720.2); c.198A>T (NM_001135058.1).
Identifiers: ClinVar variation 286749 (VCV000286749.18), dbSNP rs28400029, ClinGen allele CA7142951.